The following is an entry in ClinVar:

NM_000214.3(JAG1):c.2827C>T (p.Pro943Ser)

Gene: JAG1 (jagged canonical Notch ligand 1; minus strand). Cytogenetic location: 20p12.2.
Variant type: single nucleotide variant.
Coding change: c.2827C>T on transcript NM_000214.3 (MANE Select); coding-DNA position 2827, C replaced by T.
Protein change: p.Pro943Ser; replaces proline 943 with serine.
Molecular consequence: missense variant.
Genome position (GRCh38, 1-based): chr20:10,641,549, G>A on the plus strand (C>T on the coding strand, the complement: JAG1 is on the minus strand). VCF-style: chr20-10641549-G-A. GRCh37 (hg19) VCF-style: chr20-10622197-G-A.
Other names: c.2827C>T, p.Pro943Ser (LRG_1191t1); short protein forms P943S.
Identifiers: ClinVar variation 468657 (VCV000468657.22), dbSNP rs760332763, ClinGen allele CA9764386.

ClinVar aggregate classification (germline): Conflicting classifications of pathogenicity. Review status: criteria provided, conflicting classifications (1 of 4 stars). 5 submissions from 5 submitters: Uncertain significance (4); Benign (1). Last evaluated 2025-08-01.

Conditions:
Alagille syndrome due to a JAG1 point mutation. Also called: Alagille Syndrome 1; HEPATIC DUCTULAR HYPOPLASIA, SYNDROMATIC; JAG1-Related Alagille Syndrome. Identifiers: Orphanet 261619, Orphanet 52, MedGen C1956125, MONDO:0016862, OMIM 118450.
Deafness, congenital heart defects, and posterior embryotoxon (DCHE). Identifiers: MedGen C1866053, MONDO:0060713, OMIM 617992.
Tetralogy of Fallot (TOF). Identifiers: Orphanet 3303, MedGen C0039685, MONDO:0008542, OMIM 187500, HP:0001636.
Charcot-Marie-Tooth disease, axonal, Type 2HH. Also called: CHARCOT-MARIE-TOOTH NEUROPATHY, TYPE 2HH. Identifiers: MedGen C5562003, MONDO:0030458, OMIM 619574.
Cardiovascular phenotype. Identifiers: MedGen CN230736.
JAG1-related disorder. Also called: JAG1-related condition; JAG1-related disorders.

Allele frequency attached by ClinVar (database versions not stated): gnomAD 0.00003 and 0.00004; gnomAD exomes 0.00003 and 0.00001; TOPMed 0.00003; ExAC 0.00001.

Submissions (5):

CeGaT Center for Human Genetics Tuebingen
Classification: Uncertain significance. Last evaluated: 2025-08-01. Review status: criteria provided, single submitter. Criteria: CeGaT Center For Human Genetics Tuebingen Variant Classification Criteria Version 2. Collection method: clinical testing. Allele origin: germline. Affected: yes. Observed: 1 variant allele.

Labcorp Genetics (formerly Invitae), Labcorp
Classification: Benign for Alagille syndrome due to a JAG1 point mutation. Last evaluated: 2025-04-20. Review status: criteria provided, single submitter. Criteria: Invitae Variant Classification Sherloc (09022015). Collection method: clinical testing. Allele origin: germline.

PreventionGenetics, part of Exact Sciences
Classification: Uncertain significance for JAG1-related condition. Last evaluated: 2024-12-12. Review status: criteria provided, single submitter. Criteria: ACMG Guidelines, 2015. Collection method: clinical testing. Allele origin: germline.
Comment: The JAG1 c.2827C>T variant is predicted to result in the amino acid substitution p.Pro943Ser. To our knowledge, this variant has not been reported in the literature. This variant is reported in 0.0080% of alleles in individuals of African descent in gnomAD. At this time, the clinical significance of this variant is uncertain due to the absence of conclusive functional and genetic evidence.

Ambry Genetics
Classification: Uncertain significance for Cardiovascular phenotype. Last evaluated: 2023-03-31. Review status: criteria provided, single submitter. Criteria: Ambry Variant Classification Scheme 2023. Collection method: clinical testing. Allele origin: germline.

Fulgent Genetics
Classification: Uncertain significance for Alagille syndrome due to a JAG1 point mutation; Tetralogy of Fallot; Deafness, congenital heart defects, and posterior embryotoxon; Charcot-Marie-Tooth disease, axonal, Type 2HH. Last evaluated: 2021-10-18. Review status: criteria provided, single submitter. Criteria: ACMG Guidelines, 2015. Collection method: clinical testing. Allele origin: unknown.